The following is an entry in ClinVar:

NM_139215.3(TAF15):c.446A>G (p.Tyr149Cys)

Gene: TAF15 (TATA-box binding protein associated factor 15; plus strand). Cytogenetic location: 17q12.
Variant type: single nucleotide variant.
Coding change: c.446A>G on transcript NM_139215.3 (MANE Select); coding-DNA position 446, A replaced by G.
Protein change: p.Tyr149Cys; replaces tyrosine 149 with cysteine.
Molecular consequence: missense variant.
Genome position (GRCh38, 1-based): chr17:35,822,795, A>G. VCF-style: chr17-35822795-A-G. GRCh37 (hg19) VCF-style: chr17-34149799-A-G.
Other names: c.437A>G, p.Tyr146Cys (NM_003487.4); short protein forms Y146C, Y149C.
Identifiers: ClinVar variation 1312178 (VCV001312178.2), dbSNP rs755949830, ClinGen allele CA290023601.
Genomic context (GRCh38, chr17:35,822,795, plus strand): 5'-ATGATGAGCAGTCAAATTATGATCAGCAGCATGATTCCTATAGTCAAAACCAGCAGTCCT[A>G]TCATTCACAAAGGGAAAACTACAGCCACCACACACAAGGTAAGATTTACTGACCTCTATT-3'
Protein context (NP_631961.1, residues 139-159): HDSYSQNQQS[Tyr149Cys]HSQRENYSHH

ClinVar aggregate classification (germline): Uncertain significance (1 of 4 stars; one submission).

Allele frequency attached by ClinVar (database versions not stated): gnomAD exomes 0.00001 and 0.00002; ExAC 0.00002.
gnomAD v4.1: 10 of 1,614,206 alleles (0.00062%); highest among the groups gnomAD compares: East Asian, 0.0022%; no homozygotes.

Submission:

GeneDx
Classification: Uncertain significance. Last evaluated: 2019-09-10. Review status: criteria provided, single submitter. Criteria: GeneDx Variant Classification Process June 2021. Collection method: clinical testing. Allele origin: germline. Affected: yes.
Comment: Not observed at a significant frequency in large population cohorts (Lek et al., 2016); In silico analysis, which includes protein predictors and evolutionary conservation, supports a deleterious effect; Has not been previously published as pathogenic or benign to our knowledge